The following is an entry in ClinVar:

ClinVar aggregate classification (germline): Pathogenic (1 of 4 stars; one submission).

Conditions:
DICER1-related tumor predisposition. Also called: DICER1-related pleuropulmonary blastoma cancer predisposition syndrome; DICER1 syndrome. Identifiers: Orphanet 284343, MedGen C3839822, MONDO:0100216.

Submission:

Foulkes Cancer Genetics LDI, Lady Davis Institute for Medical Research
Classification: Pathogenic for Pleuropulmonary blastoma. Last evaluated: 2019-07-01. Review status: criteria provided, single submitter. Criteria: ACMG Guidelines, 2015. Collection method: curation. Allele origin: germline. Affected: yes. Observed: 2 variant alleles.
Comment: ACMG criteria met: PVS1, PM2, PP4

NM_177438.3(DICER1):c.597T>A (p.Cys199Ter)

Gene: DICER1 (dicer 1, ribonuclease III; minus strand). Cytogenetic location: 14q32.13.
Variant type: single nucleotide variant.
Coding change: c.597T>A on transcript NM_177438.3 (MANE Select); coding-DNA position 597, T replaced by A.
Protein change: p.Cys199Ter; replaces cysteine 199 with a stop codon.
Molecular consequence: nonsense.
Genome position (GRCh38, 1-based): chr14:95,129,609, A>T on the plus strand (T>A on the coding strand, the complement: DICER1 is on the minus strand). VCF-style: chr14-95129609-A-T. GRCh37 (hg19) VCF-style: chr14-95595946-A-T.
Other names: c.597T>A, p.Cys199Ter (NM_001195573.1, NM_001271282.3, NM_001291628.2 and 1 more transcripts); short protein forms C199*.
Identifiers: ClinVar variation 932997 (VCV000932997.3), dbSNP rs1893775878, ClinGen allele CA390888259.